The following is an entry in ClinVar:

ClinVar aggregate classification (germline): Pathogenic (1 of 4 stars; one submission).

Conditions:
Severe combined immunodeficiency due to DCLRE1C deficiency (RS-SCID). Also called: SCID, AUTOSOMAL RECESSIVE, T CELL-NEGATIVE, B CELL-NEGATIVE, NK CELL-POSITIVE, WITH SENSITIVITY TO IONIZING RADIATION. Identifiers: Orphanet 275, MedGen C1865371, MONDO:0011225, OMIM 602450.

Submission:

Labcorp Genetics (formerly Invitae), Labcorp
Classification: Pathogenic for Athabaskan severe combined immunodeficiency. Last evaluated: 2022-08-23. Review status: criteria provided, single submitter. Criteria: Invitae Variant Classification Sherloc (09022015). Collection method: clinical testing. Allele origin: germline.
Comment: This sequence change creates a premature translational stop signal (p.Tyr210Leufs*14) in the DCLRE1C gene. It is expected to result in an absent or disrupted protein product. Loss-of-function variants in DCLRE1C are known to be pathogenic (PMID: 21664875, 26123418). This variant is not present in population databases (gnomAD no frequency). This variant has not been reported in the literature in individuals affected with DCLRE1C-related conditions. ClinVar contains an entry for this variant (Variation ID: 1071845). For these reasons, this variant has been classified as Pathogenic.

Literature cited by the submitters: PubMed 21664875; PubMed 26123418.

NM_001033855.3(DCLRE1C):c.629del (p.Tyr210fs)

Gene: DCLRE1C (DNA cross-link repair 1C; minus strand). Cytogenetic location: 10p13.
Variant type: Deletion.
Coding change: c.629del on transcript NM_001033855.3 (MANE Select); coding-DNA position 629, one base deleted (A; older notation c.629delA).
Protein change: p.Tyr210fs; shifts the reading frame from tyrosine 210.
Molecular consequence: frameshift variant. On other transcripts: non-coding transcript variant (4).
Genome position (GRCh38, 1-based): chr10:14,934,429, T deleted on the plus strand (A on the coding strand, the reverse complement: DCLRE1C is on the minus strand). VCF-style (leftmost placement, unchanged base first): chr10-14934428-AT-A. GRCh37 (hg19) VCF-style: chr10-14976427-AT-A.
Other names: c.269del, p.Tyr90fs (NM_001033857.3, NM_001033858.3, NM_001289077.2 and 2 more transcripts); c.284del, p.Tyr95fs (NM_001289076.2, NM_001289078.2, NM_001350966.2 and 1 more transcripts); c.629del, p.Tyr210fs (NM_001350965.2); short protein forms Y210fs, Y90fs, Y95fs.
Identifiers: ClinVar variation 1071845 (VCV001071845.7), dbSNP rs2130938370, ClinGen allele CA2499220200.